The following is an entry in ClinVar:

NM_032638.5(GATA2):c.1192C>G (p.Arg398Gly)

Gene: GATA2 (GATA binding protein 2; minus strand). Cytogenetic location: 3q21.3.
Variant type: single nucleotide variant.
Coding change: c.1192C>G on transcript NM_032638.5 (MANE Select); coding-DNA position 1192, C replaced by G.
Protein change: p.Arg398Gly; replaces arginine 398 with glycine.
Molecular consequence: missense variant.
Genome position (GRCh38, 1-based): chr3:128,481,270, G>C on the plus strand (C>G on the coding strand, the complement: GATA2 is on the minus strand). VCF-style: chr3-128481270-G-C. GRCh37 (hg19) VCF-style: chr3-128200113-G-C.
Other names: c.1192C>G, p.Arg398Gly (NM_001145661.2); c.1150C>G, p.Arg384Gly (NM_001145662.1); short protein forms R384G, R398G.
Identifiers: ClinVar variation 2121724 (VCV002121724.4), dbSNP rs387906629, ClinGen allele CA354413214.

ClinVar aggregate classification (germline): Likely pathogenic (1 of 4 stars; one submission).

Conditions:
Monocytopenia with susceptibility to infections. Also called: IMMUNODEFICIENCY 21; GATA2 DEFICIENCY; MONOCYTOPENIA AND MYCOBACTERIAL INFECTION SYNDROME; MONOCYTOPENIA WITH SUSCEPTIBILITY TO MYCOBACTERIAL, FUNGAL, AND PAPILLOMAVIRUS INFECTIONS AND MYELODYSPLASIA; COMBINED IMMUNODEFICIENCY WITH SUSCEPTIBILITY TO MYCOBACTERIAL, VIRAL, AND FUNGAL INFECTIONS; Dendritic cell, monocyte, B lymphocyte, and natural killer lymphocyte deficiency. Identifiers: Orphanet 228423, MedGen C3280030, MONDO:0013607, OMIM 614172.
Deafness-lymphedema-leukemia syndrome. Also called: Lymphedema, primary, with myelodysplasia; Emberger syndrome. Identifiers: Orphanet 3226, MedGen C3279664, MONDO:0013540, OMIM 614038.

Submission:

Labcorp Genetics (formerly Invitae), Labcorp
Classification: Likely pathogenic for Monocytopenia with susceptibility to infections; Deafness-lymphedema-leukemia syndrome. Last evaluated: 2022-10-13. Review status: criteria provided, single submitter. Criteria: Invitae Variant Classification Sherloc (09022015). Collection method: clinical testing. Allele origin: germline.
Comment: In summary, the currently available evidence indicates that the variant is pathogenic, but additional data are needed to prove that conclusively. Therefore, this variant has been classified as Likely Pathogenic. This variant disrupts the p.Arg398 amino acid residue in GATA2. Other variant(s) that disrupt this residue have been determined to be pathogenic (PMID: 21670465, 21765025). This suggests that this residue is clinically significant, and that variants that disrupt this residue are likely to be disease-causing. Advanced modeling of protein sequence and biophysical properties (such as structural, functional, and spatial information, amino acid conservation, physicochemical variation, residue mobility, and thermodynamic stability) performed at Invitae indicates that this missense variant is expected to disrupt GATA2 protein function. This variant has not been reported in the literature in individuals affected with GATA2-related conditions. This variant is not present in population databases (gnomAD no frequency). This sequence change replaces arginine, which is basic and polar, with glycine, which is neutral and non-polar, at codon 398 of the GATA2 protein (p.Arg398Gly).

Literature cited by the submitters: PubMed 21670465; PubMed 21765025.